The following is an entry in ClinVar:

NM_001943.5(DSG2):c.688G>A (p.Glu230Lys)

Gene: DSG2 (desmoglein 2; plus strand). Cytogenetic location: 18q12.1.
Variant type: single nucleotide variant.
Coding change: c.688G>A on transcript NM_001943.5 (MANE Select); coding-DNA position 688, G replaced by A.
Protein change: p.Glu230Lys; replaces glutamic acid 230 with lysine.
Molecular consequence: missense variant.
Genome position (GRCh38, 1-based): chr18:31,522,247, G>A. VCF-style: chr18-31522247-G-A. GRCh37 (hg19) VCF-style: chr18-29102210-G-A.
Other names: short protein forms E230K.
Identifiers: ClinVar variation 2775213 (VCV002775213.3), dbSNP rs2510911703, ClinGen allele CA402134151.

ClinVar aggregate classification (germline): Uncertain significance. Review status: criteria provided, multiple submitters, no conflicts (2 of 4 stars). 2 submissions from 2 submitters: Uncertain significance (2). Last evaluated 2024-06-30.

Conditions:
Cardiomyopathy (CMYO). Also called: Cardiomyopathies. Identifiers: Orphanet 167848, MedGen C0878544, MONDO:0004994, HP:0001638. Inheritance: Various modes of inheritance.
Cardiovascular phenotype. Identifiers: MedGen CN230736.

Submissions (2):

Ambry Genetics
Classification: Uncertain significance for Cardiovascular phenotype. Last evaluated: 2024-06-30. Review status: criteria provided, single submitter. Criteria: Ambry Variant Classification Scheme 2023. Collection method: clinical testing. Allele origin: germline.
Comment: The p.E230K variant (also known as c.688G>A), located in coding exon 6 of the DSG2 gene, results from a G to A substitution at nucleotide position 688. The glutamic acid at codon 230 is replaced by lysine, an amino acid with similar properties. This amino acid position is conserved. In addition, this alteration is predicted to be deleterious by in silico analysis. Based on the available evidence, the clinical significance of this variant remains unclear.

Color Diagnostics, LLC DBA Color Health
Classification: Uncertain significance for Cardiomyopathy. Last evaluated: 2022-07-12. Review status: criteria provided, single submitter. Criteria: ACMG Guidelines, 2015. Collection method: clinical testing. Allele origin: germline.
Comment: This missense variant replaces glutamic acid with lysine at codon 230 of the DSG2 protein. Computational prediction suggests that this variant may have deleterious impact on protein structure and function (internally defined REVEL score threshold >= 0.7, PMID: 27666373). To our knowledge, functional studies have not been reported for this variant. This variant has not been reported in individuals affected with cardiovascular disorders in the literature. This variant has not been identified in the general population by the Genome Aggregation Database (gnomAD). The available evidence is insufficient to determine the role of this variant in disease conclusively. Therefore, this variant is classified as a Variant of Uncertain Significance.